The following is an entry in ClinVar:

NM_014249.4(NR2E3):c.1171_1172del (p.Phe391fs)

Gene: NR2E3 (nuclear receptor subfamily 2 group E member 3; plus strand). Cytogenetic location: 15q23.
Variant type: Deletion.
Coding change: c.1171_1172del on transcript NM_014249.4 (MANE Select); coding-DNA positions 1171 to 1172, 2 bases deleted (TT; older notation c.1171_1172delTT).
Protein change: p.Phe391fs; shifts the reading frame from phenylalanine 391.
Molecular consequence: frameshift variant.
Genome position (GRCh38, 1-based): chr15:71,817,622-71,817,623, TT deleted; deleting any 2 consecutive bases within chr15:71,817,619-71,817,623 gives the same sequence; the c. name uses the placement nearest the transcript's 3' end. VCF-style (leftmost placement, unchanged base first): chr15-71817618-CTT-C. GRCh37 (hg19) VCF-style: chr15-72109959-CTT-C.
Other names: short protein forms F391fs.
Identifiers: ClinVar variation 560470 (VCV000560470.12), dbSNP rs574936510, ClinGen allele CA272576435.

ClinVar aggregate classification (germline): Pathogenic/Likely pathogenic. Review status: criteria provided, multiple submitters, no conflicts (2 of 4 stars). 4 submissions from 4 submitters: Pathogenic (2); Likely pathogenic (1). 1 of the submissions does not count toward it. Last evaluated 2026-04-30.

Conditions:
Leber congenital amaurosis (LCA). Also called: Leber's amaurosis. Identifiers: Orphanet 65, MedGen C0339527, MeSH D057130, MONDO:0018998.
ENHANCED S-CONE SYNDROME 1 (ESCS1). Also called: RETINOSCHISIS WITH EARLY HEMERALOPIA; FAVRE HYALOIDEORETINAL DEGENERATION. Identifiers: MedGen CN380299, OMIM 268100.
Retinal dystrophy. Also called: Inherited retinal dystrophy. Identifiers: Orphanet 71862, MedGen C0854723, MeSH D058499, MONDO:0019118, HP:0000556.

Submissions (4):

Myriad Genetics, Inc.
Classification: Likely pathogenic for ENHANCED S-CONE SYNDROME 1. Last evaluated: 2026-04-30. Review status: criteria provided, single submitter. Criteria: Myriad Autosomal Dominant, Autosomal Recessive and X-Linked Classification Criteria (2023). Collection method: clinical testing. Allele origin: unknown.
Comment: NM_014249.2(NR2E3):c.1171_1172delTT(F391Pfs*15) is a frameshift variant classified as likely pathogenic in the context of enhanced S-cone syndrome. F391Pfs*15 has been observed in cases with relevant disease (PMID: 34440443, 37734845, 41995403). Relevant functional assessments of this variant are not available in the literature. F391Pfs*15 has not been observed in referenced population frequency databases. In summary, NM_014249.2(NR2E3):c.1171_1172delTT(F391Pfs*15) is a frameshift variant that has been observed more frequently in cases with the relevant disease than in healthy populations. Please note: this variant was assessed in the context of healthy population screening.

Labcorp Genetics (formerly Invitae), Labcorp
Classification: Pathogenic. Last evaluated: 2024-08-01. Review status: criteria provided, single submitter. Criteria: Invitae Variant Classification Sherloc (09022015). Collection method: clinical testing. Allele origin: germline.
Comment: This sequence change creates a premature translational stop signal (p.Phe391Profs*15) in the NR2E3 gene. While this is not anticipated to result in nonsense mediated decay, it is expected to disrupt the last 20 amino acid(s) of the NR2E3 protein. This variant is not present in population databases (gnomAD no frequency). This premature translational stop signal has been observed in individual(s) with clinical features of autosomal recessive NR2E3-related conditions (PMID: 34440443). In at least one individual the data is consistent with being in trans (on the opposite chromosome) from a pathogenic variant. ClinVar contains an entry for this variant (Variation ID: 560470). This variant disrupts a region of the NR2E3 protein in which other variant(s) (p.Met407Lys) have been determined to be pathogenic (PMID: 10655056, 19898638, 24069298, 25703721, 28300834). This suggests that this is a clinically significant region of the protein, and that variants that disrupt it are likely to be disease-causing. For these reasons, this variant has been classified as Pathogenic.

Institute of Human Genetics, Univ. Regensburg, Univ. Regensburg
Classification: Pathogenic for Retinal dystrophy. Last evaluated: 2015-01-01. Review status: criteria provided, single submitter. Criteria: ACMG Guidelines, 2015. Collection method: clinical testing. Allele origin: germline. Affected: yes.

Joint Genome Diagnostic Labs from Nijmegen and Maastricht, Radboudumc and MUMC+
Classification: Pathogenic for Leber congenital amaurosis. Last evaluated: 2016-09-01. Review status: no assertion criteria provided. Collection method: clinical testing. Allele origin: unknown. Affected: yes. Observed: 1 variant allele. Not counted in ClinVar's aggregate classification.

Literature cited by the submitters: PubMed 34440443 (cited by 3 submitters); PubMed 37734845 (cited by Myriad Genetics, Inc.); PubMed 41995403 (cited by Myriad Genetics, Inc.); PubMed 10655056 (cited by Labcorp Genetics (formerly Invitae), Labcorp); PubMed 19898638 (cited by Labcorp Genetics (formerly Invitae), Labcorp); PubMed 24069298 (cited by Labcorp Genetics (formerly Invitae), Labcorp); PubMed 25703721 (cited by Labcorp Genetics (formerly Invitae), Labcorp); PubMed 28300834 (cited by Labcorp Genetics (formerly Invitae), Labcorp).